The following is an entry in ClinVar:

ClinVar aggregate classification (germline): Uncertain significance. Review status: reviewed by expert panel (3 of 4 stars). 2 submissions from 2 submitters: Uncertain significance (1). 1 of the submissions does not count toward it. Last evaluated 2024-05-02.

Conditions:
Glanzmann thrombasthenia. Also called: BLEEDING DISORDER, PLATELET-TYPE, 2; THROMBASTHENIA OF GLANZMANN AND NAEGELI; Thrombasthenia; PLATELET GLYCOPROTEIN IIb-IIIa DEFICIENCY; Glanzmann's thrombasthenia. Identifiers: Orphanet 849, MedGen C0040015, MONDO:0100326.

Submissions (2):

ClinGen Platelet Disorders Variant Curation Expert Panel, ClinGen
Classification: Uncertain significance for Glanzmann thrombasthenia. Last evaluated: 2024-05-02. Review status: reviewed by expert panel. Criteria: ClinGen Platelet ACMG Specifications v2-1. Collection method: curation. Allele origin: germline. Inheritance: Autosomal recessive inheritance.
Comment: The c.2507G>C variant in ITGA2B is a missense variant predicted to cause substitution of Glycine by Alanine at amino acid 836 (p.Gly836Ala). This variant is absent from gnomAD v4.0.0 (PM2_Supporting). The computational predictor REVEL gives a score of 0.152, which is below the ClinGen PD VCEP threshold of <0.25 and predicts no damaging effect on ITGA2B function (BP4). Due to conflicting evidence, this variant is classified as a variant of unknown significance for autosomal recessive Glanzmann Thrombasthenia based on the ACMG/AMP criteria applied, as specified by the ClinGen PD-VCEP: PM2_Supporting, PM3_Supporting and BP4 (VCEP specifications version 2).

NIHR Bioresource Rare Diseases, University of Cambridge
Classification: Likely pathogenic for Glanzmann thrombasthenia 1. Last evaluated: 2019-02-01. Review status: criteria provided, single submitter. Criteria: ACMG Guidelines, 2015. Collection method: research. Allele origin: unknown. Affected: yes. Observed: 1 homozygote. Study: ThromboGenomics. Not counted in ClinVar's aggregate classification.

Literature cited by the submitters: PubMed 31064749 (cited by NIHR Bioresource Rare Diseases, University of Cambridge).

NM_000419.5(ITGA2B):c.2507G>C (p.Gly836Ala)

Gene: ITGA2B (integrin subunit alpha 2b; minus strand). Cytogenetic location: 17q21.31.
Variant type: single nucleotide variant.
Coding change: c.2507G>C on transcript NM_000419.5 (MANE Select); coding-DNA position 2507, G replaced by C.
Protein change: p.Gly836Ala; replaces glycine 836 with alanine.
Molecular consequence: missense variant.
Genome position (GRCh38, 1-based): chr17:44,375,927, C>G on the plus strand (G>C on the coding strand, the complement: ITGA2B is on the minus strand). VCF-style: chr17-44375927-C-G. GRCh37 (hg19) VCF-style: chr17-42453295-C-G.
Other names: NM_000419.5(ITGA2B):c.2507G>C; p.Gly836Ala; c.2507G>C (LRG_479t1); short protein forms G836A.
Identifiers: ClinVar variation 627284 (VCV000627284.3), dbSNP rs759664025, ClinGen allele CA399795012.